The following is an entry in ClinVar:

NM_001267550.2(TTN):c.38884G>T (p.Ala12962Ser)

Gene: TTN (titin; minus strand). Cytogenetic location: 2q31.2.
Variant type: single nucleotide variant.
Coding change: c.38884G>T on transcript NM_001267550.2 (MANE Select); coding-DNA position 38884, G replaced by T.
Protein change: p.Ala12962Ser; replaces alanine 12962 with serine.
Molecular consequence: missense variant. On other transcripts: intron variant (5).
Genome position (GRCh38, 1-based): chr2:178,652,923, C>A on the plus strand (G>T on the coding strand, the complement: TTN is on the minus strand). VCF-style: chr2-178652923-C-A. GRCh37 (hg19) VCF-style: chr2-179517650-C-A.
Other names: c.13283-10606G>T (NM_003319.4); c.13859-10606G>T (NM_133437.4); c.13658-10606G>T (NM_133432.3); c.31742-382G>T (NM_133378.4); c.34523-382G>T (NM_001256850.1); short protein forms A12962S.
Identifiers: ClinVar variation 2921070 (VCV002921070.1), dbSNP rs748824566, ClinGen allele CA1996970.

ClinVar aggregate classification (germline): Uncertain significance (1 of 4 stars; one submission).

Allele frequency attached by ClinVar (database versions not stated): gnomAD 0.00001; gnomAD exomes 0.00002; TOPMed 0.00002; ExAC 0.00005.
gnomAD v4.1: 11 of 1,604,924 alleles (0.00069%); highest among the groups gnomAD compares: Admixed American, 0.019%; no homozygotes.

Submission:

ARUP Laboratories, Molecular Genetics and Genomics, ARUP Laboratories
Classification: Uncertain significance. Last evaluated: 2023-09-08. Review status: criteria provided, single submitter. Criteria: ARUP Molecular Germline Variant Investigation Process 2024. Collection method: clinical testing. Allele origin: germline.
Comment: The TTN c.38884G>T; p.Ala12962Ser variant (rs748824566) is rare in the general population (<0.2% allele frequency in the Genome Aggregation Database) and has not been reported in the medical literature in association with dilated cardiomyopathy (DCM) or other TTN-related disease. The clinical relevance of rare missense variants in this gene, which are identified on average once per individual sequenced in affected populations (Herman 2012), is not well understood. Yet, evidence suggests that the vast majority of such missense variants do not contribute to the clinical outcome of DCM (Begay 2015). Thus, the clinical significance of the p.Ala12962Ser variant cannot be determined with certainty. References: Begay RL et al. Role of Titin Missense Variants in Dilated Cardiomyopathy. J Am Heart Assoc. 2015 Nov 13;4(11). PMID: 26567375. Herman DS et al. Truncations of titin causing dilated cardiomyopathy. N Engl J Med. 2012 Feb 16;366(7):619-28. PMID: 22335739.